The following is an entry in ClinVar:

ClinVar aggregate classification (germline): Uncertain significance (1 of 4 stars; one submission).

Submission:

Ambry Genetics
Classification: Uncertain significance. Last evaluated: 2024-02-10. Review status: criteria provided, single submitter. Criteria: Ambry Variant Classification Scheme 2023. Collection method: clinical testing. Allele origin: germline.
Comment: The p.T533P variant (also known as c.1597A>C), located in coding exon 8 of the PALLD gene, results from an A to C substitution at nucleotide position 1597. The threonine at codon 533 is replaced by proline, an amino acid with highly similar properties. This amino acid position is conserved. In addition, the in silico prediction for this alteration is inconclusive. Based on the available evidence, the clinical significance of this alteration remains unclear.

NM_001166108.2(PALLD):c.1597A>C (p.Thr533Pro)

Gene: PALLD (palladin, cytoskeletal associated protein; plus strand). Cytogenetic location: 4q32.3.
Variant type: single nucleotide variant.
Coding change: c.1597A>C on transcript NM_001166108.2 (MANE Select); coding-DNA position 1597, A replaced by C.
Protein change: p.Thr533Pro; replaces threonine 533 with proline.
Molecular consequence: missense variant.
Genome position (GRCh38, 1-based): chr4:168,709,123, A>C. VCF-style: chr4-168709123-A-C. GRCh37 (hg19) VCF-style: chr4-169630274-A-C.
Other names: c.451A>C, p.Thr151Pro (NM_001166109.2); c.1597A>C, p.Thr533Pro (NM_016081.4); short protein forms T151P, T533P.
Identifiers: ClinVar variation 3226744 (VCV003226744.1), dbSNP rs796818962, ClinGen allele CA358797617.